The following is an entry in ClinVar:

NM_003482.4(KMT2D):c.177-8G>A

Gene: KMT2D (lysine methyltransferase 2D; minus strand). Cytogenetic location: 12q13.12.
Variant type: single nucleotide variant.
Coding change: c.177-8G>A on transcript NM_003482.4 (MANE Select); 8 bases into the intron before coding-DNA position 177, G replaced by A.
Molecular consequence: intron variant.
Genome position (GRCh38, 1-based): chr12:49,054,759, C>T on the plus strand (G>A on the coding strand, the complement: KMT2D is on the minus strand). VCF-style: chr12-49054759-C-T. GRCh37 (hg19) VCF-style: chr12-49448542-C-T.
Identifiers: ClinVar variation 3907298 (VCV003907298.1).

ClinVar aggregate classification (germline): Likely benign (1 of 4 stars; one submission).

Submission:

Women's Health and Genetics/Laboratory Corporation of America, LabCorp
Classification: Likely benign. Last evaluated: 2025-06-09. Review status: criteria provided, single submitter. Criteria: LabCorp Variant Classification Summary - May 2015. Collection method: clinical testing. Allele origin: germline.
Comment: Variant summary: KMT2D c.177-8G>A alters a conserved nucleotide located at a position not widely known to affect splicing. Consensus agreement among computation tools predict no significant impact on normal splicing. However, these predictions have yet to be confirmed by functional studies. The variant was absent in 247392 control chromosomes. The available data on variant occurrences in the general population are insufficient to allow any conclusion about variant significance. To our knowledge, no occurrence of c.177-8G>A in individuals affected with Kabuki Syndrome 1 and no experimental evidence demonstrating its impact on protein function have been reported. No submitters have cited clinical-significance assessments for this variant to ClinVar. Based on the evidence outlined above, the variant was classified as likely benign.